The following is an entry in ClinVar:

NM_001303052.2(MYT1L):c.2496C>A (p.Asp832Glu)

Gene: MYT1L (myelin transcription factor 1 like; minus strand). Cytogenetic location: 2p25.3.
Variant type: single nucleotide variant.
Coding change: c.2496C>A on transcript NM_001303052.2 (MANE Select); coding-DNA position 2496, C replaced by A.
Protein change: p.Asp832Glu; replaces aspartic acid 832 with glutamic acid.
Molecular consequence: missense variant.
Genome position (GRCh38, 1-based): chr2:1,889,265, G>T on the plus strand (C>A on the coding strand, the complement: MYT1L is on the minus strand). VCF-style: chr2-1889265-G-T. GRCh37 (hg19) VCF-style: chr2-1893037-G-T.
Other names: c.2496C>A, p.Asp832Glu (NM_001329844.2, NM_001329845.1, NM_001329851.3); c.2490C>A, p.Asp830Glu (NM_001329846.3, NM_001329847.2, NM_001329848.1 and 3 more transcripts); short protein forms D830E, D832E.
Identifiers: ClinVar variation 4991087 (VCV004991087.1).

ClinVar aggregate classification (germline): Uncertain significance (1 of 4 stars; one submission).

Conditions:
MYT1L-related disorder. Also called: MYT1L-related condition.

gnomAD v4.1: 1 of 1,613,874 alleles (0.000062%); highest among the groups gnomAD compares: African/African-American, 0.0013%; no homozygotes.

Submission:

PreventionGenetics, part of Exact Sciences
Classification: Uncertain significance for MYT1L-related condition. Last evaluated: 2026-04-16. Review status: criteria provided, single submitter. Criteria: ACMG Guidelines, 2015. Collection method: clinical testing. Allele origin: germline.
Comment: The MYT1L c.2496C>A variant is predicted to result in the amino acid substitution p.Asp832Glu. To our knowledge, this variant has not been reported in the literature or in a large population database (gnomAD), indicating this variant is rare. At this time, the clinical significance of this variant is uncertain due to the absence of conclusive functional and genetic evidence.